The following is an entry in ClinVar:

NM_078470.6(COX15):c.686C>A (p.Ser229Ter)

Gene: COX15 (cytochrome c oxidase assembly factor COX15; minus strand). Cytogenetic location: 10q24.2.
Variant type: single nucleotide variant.
Coding change: c.686C>A on transcript NM_078470.6 (MANE Select); coding-DNA position 686, C replaced by A.
Protein change: p.Ser229Ter; replaces serine 229 with a stop codon.
Molecular consequence: nonsense. On other transcripts: non-coding transcript variant (1).
Genome position (GRCh38, 1-based): chr10:99,724,020, G>T on the plus strand (C>A on the coding strand, the complement: COX15 is on the minus strand). VCF-style: chr10-99724020-G-T. GRCh37 (hg19) VCF-style: chr10-101483777-G-T.
Other names: c.686C>A, p.Ser229Ter (NM_001320974.2, NM_001320975.2, NM_001372024.1 and 5 more transcripts); c.149C>A, p.Ser50Ter (NM_001320976.2); short protein forms S50*, S229*.
Identifiers: ClinVar variation 1947068 (VCV001947068.8), dbSNP rs201002908, ClinGen allele CA5642207.

ClinVar aggregate classification (germline): Pathogenic/Likely pathogenic. Review status: criteria provided, multiple submitters, no conflicts (2 of 4 stars). 3 submissions from 3 submitters: Pathogenic (1); Likely pathogenic (2). Last evaluated 2025-11-15.

Conditions:
Cardioencephalomyopathy, fatal infantile, due to cytochrome c oxidase deficiency 2 (MC4DN6). Also called: MITOCHONDRIAL COMPLEX IV DEFICIENCY, NUCLEAR TYPE 6. Identifiers: Orphanet 1561, MedGen C3554534, MONDO:0014051, OMIM 615119.

Allele frequency attached by ClinVar (database versions not stated): gnomAD exomes 0.00001; ExAC 0.00002; gnomAD 0.00002; TOPMed 0.00002; ESP Exome Variant Server 0.00008.
gnomAD v4.1: 24 of 1,614,012 alleles (0.0015%); highest among the groups gnomAD compares: Admixed American, 0.005%; no homozygotes.

Submissions (3):

Labcorp Genetics (formerly Invitae), Labcorp
Classification: Pathogenic. Last evaluated: 2025-11-15. Review status: criteria provided, single submitter. Criteria: Invitae Variant Classification Sherloc (09022015). Collection method: clinical testing. Allele origin: germline.
Comment: This sequence change creates a premature translational stop signal (p.Ser229*) in the COX15 gene. It is expected to result in an absent or disrupted protein product. Loss-of-function variants in COX15 are known to be pathogenic (PMID: 15863660, 21412973). This variant is present in population databases (rs201002908, gnomAD 0.009%). This variant has not been reported in the literature in individuals affected with COX15-related conditions. ClinVar contains an entry for this variant (Variation ID: 1947068). For these reasons, this variant has been classified as Pathogenic.

GeneDx
Classification: Likely pathogenic. Last evaluated: 2025-05-05. Review status: criteria provided, single submitter. Criteria: GeneDx Variant Classification Process June 2021. Collection method: clinical testing. Allele origin: germline. Affected: yes.
Comment: Nonsense variant predicted to result in protein truncation or nonsense mediated decay in a gene for which loss of function is a known mechanism of disease; Not observed at significant frequency in large population cohorts (gnomAD); Has not been previously published as pathogenic or benign to our knowledge

Fulgent Genetics
Classification: Likely pathogenic for Cardioencephalomyopathy, fatal infantile, due to cytochrome c oxidase deficiency 2. Last evaluated: 2024-06-20. Review status: criteria provided, single submitter. Criteria: ACMG Guidelines, 2015. Collection method: clinical testing. Allele origin: germline.

Literature cited by the submitters: PubMed 15863660 (cited by Labcorp Genetics (formerly Invitae), Labcorp); PubMed 21412973 (cited by Labcorp Genetics (formerly Invitae), Labcorp).